The following is an entry in ClinVar:

ClinVar aggregate classification (germline): Benign/Likely benign. Review status: criteria provided, multiple submitters, no conflicts (2 of 4 stars). 4 submissions from 4 submitters: Benign (1); Likely benign (2). 1 of the submissions does not count toward it. Last evaluated 2025-09-21.

Conditions:
KMT2D-related disorder. Also called: KMT2D-Related Disorders.
Kabuki syndrome. Also called: Kabuki make-up syndrome; NIIKAWA-KUROKI SYNDROME. Identifiers: Orphanet 2322, MedGen C0796004, MONDO:0016512.

Allele frequency attached by ClinVar (database versions not stated): TOPMed 0.00002; gnomAD exomes 0.00009 and 0.00006; ExAC 0.00013; 1000 Genomes Project 30x 0.00031; 1000 Genomes Project 0.00040; gnomAD 0.00003 and 0.00006; ESP Exome Variant Server 0.00008.
gnomAD v4.1: 102 of 1,613,818 alleles (0.0063%); highest among the groups gnomAD compares: South Asian, 0.068%; no homozygotes.

Submissions (4):

Labcorp Genetics (formerly Invitae), Labcorp
Classification: Likely benign for Kabuki syndrome. Last evaluated: 2025-09-21. Review status: criteria provided, single submitter. Criteria: Invitae Variant Classification Sherloc (09022015). Collection method: clinical testing. Allele origin: germline.

Laboratory of Genetics, Children's Clinical University Hospital Latvia
Classification: Likely benign. Last evaluated: 2025-02-16. Review status: criteria provided, single submitter. Criteria: ACMG Guidelines, 2015. Collection method: clinical testing. Allele origin: germline. Affected: yes.

GeneDx
Classification: Benign. Last evaluated: 2021-05-17. Review status: criteria provided, single submitter. Criteria: GeneDx Variant Classification Process June 2021. Collection method: clinical testing. Allele origin: germline. Affected: yes.

PreventionGenetics, part of Exact Sciences
Classification: Likely benign for KMT2D-related condition. Last evaluated: 2022-06-14. Review status: no assertion criteria provided. Collection method: clinical testing. Allele origin: germline. Not counted in ClinVar's aggregate classification.
Comment: This variant is classified as likely benign based on ACMG/AMP sequence variant interpretation guidelines (Richards et al. 2015 PMID: 25741868, with internal and published modifications).

NM_003482.4(KMT2D):c.10469C>T (p.Pro3490Leu)

Gene: KMT2D (lysine methyltransferase 2D; minus strand). Cytogenetic location: 12q13.12.
Variant type: single nucleotide variant.
Coding change: c.10469C>T on transcript NM_003482.4 (MANE Select); coding-DNA position 10469, C replaced by T.
Protein change: p.Pro3490Leu; replaces proline 3490 with leucine.
Molecular consequence: missense variant.
Genome position (GRCh38, 1-based): chr12:49,034,448, G>A on the plus strand (C>T on the coding strand, the complement: KMT2D is on the minus strand). VCF-style: chr12-49034448-G-A. GRCh37 (hg19) VCF-style: chr12-49428231-G-A.
Other names: short protein forms P3490L.
Identifiers: ClinVar variation 1293237 (VCV001293237.12), dbSNP rs376980951, ClinGen allele CA6546496.